The following is an entry in ClinVar:

ClinVar aggregate classification (germline): Conflicting classifications of pathogenicity. Review status: criteria provided, conflicting classifications (1 of 4 stars). 3 submissions from 3 submitters: Uncertain significance (1); Likely benign (2). Last evaluated 2025-12-13.

Allele frequency attached by ClinVar (database versions not stated): ExAC 0.00002; gnomAD exomes 0.00002 and 0.00004; gnomAD 0.00003; TOPMed 0.00003; ESP Exome Variant Server 0.00008.
gnomAD v4.1: 64 of 1,614,144 alleles (0.004%); highest among the groups gnomAD compares: Non-Finnish European, 0.0051%; no homozygotes.

Submissions (3):

Labcorp Genetics (formerly Invitae), Labcorp
Classification: Uncertain significance. Last evaluated: 2025-12-13. Review status: criteria provided, single submitter. Criteria: Invitae Variant Classification Sherloc (09022015). Collection method: clinical testing. Allele origin: germline.
Comment: This sequence change replaces threonine, which is neutral and polar, with asparagine, which is neutral and polar, at codon 1267 of the ASXL1 protein (p.Thr1267Asn). This variant is present in population databases (rs368889231, gnomAD 0.005%). This variant has not been reported in the literature in individuals affected with ASXL1-related conditions. ClinVar contains an entry for this variant (Variation ID: 235317). An algorithm developed to predict the effect of missense changes on protein structure and function (PolyPhen-2) suggests that this variant is likely to be tolerated. In summary, the available evidence is currently insufficient to determine the role of this variant in disease. Therefore, it has been classified as a Variant of Uncertain Significance.

GeneDx
Classification: Likely benign. Last evaluated: 2020-09-15. Review status: criteria provided, single submitter. Criteria: GeneDx Variant Classification Process June 2021. Collection method: clinical testing. Allele origin: germline. Affected: yes.
Comment: This variant is associated with the following publications: (PMID: 24463507)

Center for Pediatric Genomic Medicine, Children's Mercy Hospital and Clinics
Classification: Likely benign. Last evaluated: 2014-11-26. Review status: criteria provided, single submitter. Criteria: ACMG Guidelines, 2015. Collection method: clinical testing. Allele origin: germline.
ClinVar note: Converted during submission from Likely Benign to Likely benign.

NM_015338.6(ASXL1):c.3800C>A (p.Thr1267Asn)

Gene: ASXL1 (ASXL transcriptional regulator 1; plus strand). Cytogenetic location: 20q11.21.
Variant type: single nucleotide variant.
Coding change: c.3800C>A on transcript NM_015338.6 (MANE Select); coding-DNA position 3800, C replaced by A.
Protein change: p.Thr1267Asn; replaces threonine 1267 with asparagine.
Molecular consequence: missense variant.
Genome position (GRCh38, 1-based): chr20:32,436,512, C>A. VCF-style: chr20-32436512-C-A. GRCh37 (hg19) VCF-style: chr20-31024315-C-A.
Other names: c.3617C>A, p.Thr1206Asn (NM_001363734.1); short protein forms T1267N, T1206N.
Identifiers: ClinVar variation 235317 (VCV000235317.6), dbSNP rs368889231, ClinGen allele CA9808905.